The following is an entry in ClinVar:

NM_014141.6(CNTNAP2):c.2083T>C (p.Leu695=)

Gene: CNTNAP2 (contactin associated protein 2; plus strand). Cytogenetic location: 7q35.
Variant type: single nucleotide variant.
Coding change: c.2083T>C on transcript NM_014141.6 (MANE Select); coding-DNA position 2083, T replaced by C.
Protein change: p.Leu695=; no amino-acid change (leucine 695 retained).
Molecular consequence: synonymous variant.
Genome position (GRCh38, 1-based): chr7:147,639,291, T>C. VCF-style: chr7-147639291-T-C. GRCh37 (hg19) VCF-style: chr7-147336383-T-C.
Identifiers: ClinVar variation 4084667 (VCV004084667.8).

ClinVar aggregate classification (germline): Likely benign (1 of 4 stars; one submission).

gnomAD v4.1: 4 of 1,614,038 alleles (0.00025%); highest among the groups gnomAD compares: Non-Finnish European, 0.00025%; no homozygotes.

Submission:

CeGaT Center for Human Genetics Tuebingen
Classification: Likely benign. Last evaluated: 2025-08-01. Review status: criteria provided, single submitter. Criteria: CeGaT Center For Human Genetics Tuebingen Variant Classification Criteria Version 2. Collection method: clinical testing. Allele origin: germline. Affected: yes. Observed: 1 variant allele.
Comment: CNTNAP2: BP4, BP7